The following is an entry in ClinVar:

NM_003392.7(WNT5A):c.860_861delinsAA (p.Val287Glu)

Gene: WNT5A (Wnt family member 5A; minus strand). Cytogenetic location: 3p14.3.
Variant type: Indel.
Coding change: c.860_861delinsAA on transcript NM_003392.7 (MANE Select); coding-DNA positions 860 to 861, TC replaced by AA.
Protein change: p.Val287Glu; replaces valine 287 with glutamic acid.
Molecular consequence: missense variant.
Genome position (GRCh38, 1-based): chr3:55,470,374-55,470,375, GA replaced by TT on the plus strand (TC replaced by AA on the coding strand, the reverse complement: WNT5A is on the minus strand). VCF-style: chr3-55470374-GA-TT. GRCh37 (hg19) VCF-style: chr3-55504402-GA-TT.
Other names: c.815_816delinsAA, p.Val272Glu (NM_001256105.1, NM_001377271.1, NM_001377272.1); short protein forms V287E, V272E.
Identifiers: ClinVar variation 2695628 (VCV002695628.3), dbSNP rs2471256363, ClinGen allele CA2697556748.

ClinVar aggregate classification (germline): Uncertain significance (1 of 4 stars; one submission).

Submission:

Labcorp Genetics (formerly Invitae), Labcorp
Classification: Uncertain significance. Last evaluated: 2023-11-14. Review status: criteria provided, single submitter. Criteria: Invitae Variant Classification Sherloc (09022015). Collection method: clinical testing. Allele origin: germline.
Comment: This sequence change replaces valine, which is neutral and non-polar, with glutamic acid, which is acidic and polar, at codon 287 of the WNT5A protein (p.Val287Glu). Information on the frequency of this variant in the gnomAD database is not available, as this variant may be reported differently in the database. This variant has not been reported in the literature in individuals affected with WNT5A-related conditions. An algorithm developed to predict the effect of missense changes on protein structure and function (PolyPhen-2) suggests that this variant is likely to be tolerated. In summary, the available evidence is currently insufficient to determine the role of this variant in disease. Therefore, it has been classified as a Variant of Uncertain Significance.